The following is an entry in ClinVar:

NM_207361.6(FREM2):c.2432G>A (p.Gly811Glu)

Gene: FREM2 (FRAS1 related extracellular matrix 2; plus strand). Cytogenetic location: 13q13.3.
Variant type: single nucleotide variant.
Coding change: c.2432G>A on transcript NM_207361.6 (MANE Select); coding-DNA position 2432, G replaced by A.
Protein change: p.Gly811Glu; replaces glycine 811 with glutamic acid.
Molecular consequence: missense variant.
Genome position (GRCh38, 1-based): chr13:38,689,776, G>A. VCF-style: chr13-38689776-G-A. GRCh37 (hg19) VCF-style: chr13-39263913-G-A.
Other names: c.2432G>A (NM_207361.5); short protein forms G811E.
Identifiers: ClinVar variation 311958 (VCV000311958.22), dbSNP rs147293913, ClinGen allele CA6954615.

ClinVar aggregate classification (germline): Uncertain significance. Review status: criteria provided, multiple submitters, no conflicts (2 of 4 stars). 10 submissions from 10 submitters: Uncertain significance (8). 2 of the submissions do not count toward it. Last evaluated 2025-10-01.

Conditions:
FREM2-related disorder. Also called: FREM2-related condition.
Fraser syndrome 2 (FRASRS2). Identifiers: MedGen C4540036, MONDO:0054738, OMIM 617666.
Isolated cryptophthalmia. Also called: ANKYLOBLEPHARON, SIMPLE; Cryptophthalmos, unilateral or bilateral, isolated. Identifiers: Orphanet 91396, MedGen C1852453, MONDO:0007410, OMIM 123570.

Allele frequency attached by ClinVar (database versions not stated): ExAC 0.00017; gnomAD exomes 0.00018 and 0.00051; TOPMed 0.00025; gnomAD 0.00029 and 0.00031; ESP Exome Variant Server 0.00038.
gnomAD v4.1: 766 of 1,613,506 alleles (0.047%); highest among the groups gnomAD compares: Non-Finnish European, 0.062%; 1 homozygote.

Submissions (10):

CeGaT Center for Human Genetics Tuebingen
Classification: Uncertain significance. Last evaluated: 2025-10-01. Review status: criteria provided, single submitter. Criteria: CeGaT Center For Human Genetics Tuebingen Variant Classification Criteria Version 2. Collection method: clinical testing. Allele origin: germline. Affected: yes. Observed: 1 variant allele.

Labcorp Genetics (formerly Invitae), Labcorp
Classification: Uncertain significance. Last evaluated: 2024-05-29. Review status: criteria provided, single submitter. Criteria: Invitae Variant Classification Sherloc (09022015). Collection method: clinical testing. Allele origin: germline.
Comment: This sequence change replaces glycine, which is neutral and non-polar, with glutamic acid, which is acidic and polar, at codon 811 of the FREM2 protein (p.Gly811Glu). This variant is present in population databases (rs147293913, gnomAD 0.04%). This variant has not been reported in the literature in individuals affected with FREM2-related conditions. ClinVar contains an entry for this variant (Variation ID: 311958). Advanced modeling of protein sequence and biophysical properties (such as structural, functional, and spatial information, amino acid conservation, physicochemical variation, residue mobility, and thermodynamic stability) performed at Invitae indicates that this missense variant is expected to disrupt FREM2 protein function with a positive predictive value of 80%. In summary, the available evidence is currently insufficient to determine the role of this variant in disease. Therefore, it has been classified as a Variant of Uncertain Significance.

Fulgent Genetics
Classification: Uncertain significance for Isolated cryptophthalmia; Fraser syndrome 2. Last evaluated: 2024-04-25. Review status: criteria provided, single submitter. Criteria: ACMG Guidelines, 2015. Collection method: clinical testing. Allele origin: germline.

PreventionGenetics, part of Exact Sciences
Classification: Uncertain significance for FREM2-related condition. Last evaluated: 2023-07-21. Review status: criteria provided, single submitter. Criteria: ACMG Guidelines, 2015. Collection method: clinical testing. Allele origin: germline.
Comment: The FREM2 c.2432G>A variant is predicted to result in the amino acid substitution p.Gly811Glu. To our knowledge, this variant has not been reported in the literature. This variant is reported in 0.039% of alleles in individuals of European (Non-Finnish) descent in gnomAD. At this time, the clinical significance of this variant is uncertain due to the absence of conclusive functional and genetic evidence.

GeneDx
Classification: Uncertain significance. Last evaluated: 2022-05-11. Review status: criteria provided, single submitter. Criteria: GeneDx Variant Classification Process June 2021. Collection method: clinical testing. Allele origin: germline. Affected: yes.
Comment: In silico analysis supports that this missense variant has a deleterious effect on protein structure/function; Has not been previously published as pathogenic or benign to our knowledge

Department of Pathology and Laboratory Medicine, Sinai Health System
Classification: Uncertain significance for Isolated cryptophthalmia; Fraser syndrome 2. Last evaluated: 2021-07-30. Review status: criteria provided, single submitter. Criteria: ACMG Guidelines, 2015. Collection method: research. Allele origin: germline.

Knight Diagnostic Laboratories, Oregon Health and Sciences University
Classification: Uncertain significance for FRASER SYNDROME 2. Last evaluated: 2019-09-06. Review status: criteria provided, single submitter. Criteria: ACMG Guidelines, 2015. Collection method: clinical testing. Allele origin: germline. Observed: 1 variant allele.

Illumina Laboratory Services, Illumina
Classification: Uncertain significance for Fraser syndrome 2. Last evaluated: 2018-01-13. Review status: criteria provided, single submitter. Criteria: ICSL Variant Classification Criteria 13 December 2019. Collection method: clinical testing. Allele origin: germline.

Clinical Genetics DNA and cytogenetics Diagnostics Lab, Erasmus MC, Erasmus Medical Center
Classification: Uncertain significance. Review status: no assertion criteria provided. Collection method: clinical testing. Allele origin: germline. Affected: yes. Study: VKGL Data-share Consensus. Not counted in ClinVar's aggregate classification.

Genome Diagnostics Laboratory, University Medical Center Utrecht
Classification: Uncertain significance. Review status: no assertion criteria provided. Collection method: clinical testing. Allele origin: germline. Affected: yes. Study: VKGL Data-share Consensus. Not counted in ClinVar's aggregate classification.